The following is an entry in ClinVar:

ClinVar aggregate classification (germline): Uncertain significance (1 of 4 stars; one submission).

Conditions:
Hereditary cancer-predisposing syndrome. Also called: Hereditary Cancer Syndrome; Tumor predisposition; Neoplastic Syndromes, Hereditary; Hereditary neoplastic syndrome. Identifiers: Orphanet 140162, MedGen C0027672, MeSH D009386, MONDO:0015356.

Allele frequency attached by ClinVar (database versions not stated): TOPMed below 0.00001.

Submission:

Labcorp Genetics (formerly Invitae), Labcorp
Classification: Uncertain significance for Hereditary cancer-predisposing syndrome. Last evaluated: 2022-03-28. Review status: criteria provided, single submitter. Criteria: Invitae Variant Classification Sherloc (09022015). Collection method: clinical testing. Allele origin: germline.
Comment: In summary, the available evidence is currently insufficient to determine the role of this variant in disease. Therefore, it has been classified as a Variant of Uncertain Significance. Algorithms developed to predict the effect of missense changes on protein structure and function (SIFT, PolyPhen-2, Align-GVGD) all suggest that this variant is likely to be tolerated. This sequence change replaces serine, which is neutral and polar, with cysteine, which is neutral and slightly polar, at codon 604 of the RAD50 protein (p.Ser604Cys). This variant is not present in population databases (gnomAD no frequency). This variant has not been reported in the literature in individuals affected with RAD50-related conditions.

NM_005732.4(RAD50):c.1811C>G (p.Ser604Cys)

Gene: RAD50 (RAD50 double strand break repair protein; plus strand). Cytogenetic location: 5q31.1.
Variant type: single nucleotide variant.
Coding change: c.1811C>G on transcript NM_005732.4 (MANE Select); coding-DNA position 1811, C replaced by G.
Protein change: p.Ser604Cys; replaces serine 604 with cysteine.
Molecular consequence: missense variant.
Genome position (GRCh38, 1-based): chr5:132,594,886, C>G. VCF-style: chr5-132594886-C-G. GRCh37 (hg19) VCF-style: chr5-131930578-C-G.
Other names: short protein forms S604C.
Identifiers: ClinVar variation 2118861 (VCV002118861.4), dbSNP rs1750760861, ClinGen allele CA360947442.